The following is an entry in ClinVar:

NM_005993.5(TBCD):c.2153C>T (p.Ser718Leu)

Gene: TBCD (tubulin folding cofactor D). Cytogenetic location: 17q25.3.
Variant type: single nucleotide variant.
Coding change: c.2153C>T on transcript NM_005993.5 (MANE Select); coding-DNA position 2153, C replaced by T.
Protein change: p.Ser718Leu; replaces serine 718 with leucine.
Molecular consequence: missense variant.
Genome position (GRCh38, 1-based): chr17:82,921,552, C>T. VCF-style: chr17-82921552-C-T. GRCh37 (hg19) VCF-style: chr17-80879428-C-T.
Other names: c.2072C>T, p.Ser691Leu (NM_001411102.1); c.2102C>T, p.Ser701Leu (NM_001411101.1); short protein forms S691L, S701L, S718L.
Identifiers: ClinVar variation 1976909 (VCV001976909.5), dbSNP rs2061419091, ClinGen allele CA401632877.

ClinVar aggregate classification (germline): Uncertain significance. Review status: criteria provided, multiple submitters, no conflicts (2 of 4 stars). 2 submissions from 2 submitters: Uncertain significance (2). Last evaluated 2024-11-05.

Allele frequency attached by ClinVar (database versions not stated): gnomAD exomes 0.00001; TOPMed 0.00001.

Submissions (2):

Labcorp Genetics (formerly Invitae), Labcorp
Classification: Uncertain significance. Last evaluated: 2024-11-05. Review status: criteria provided, single submitter. Criteria: Invitae Variant Classification Sherloc (09022015). Collection method: clinical testing. Allele origin: germline.
Comment: This sequence change replaces serine, which is neutral and polar, with leucine, which is neutral and non-polar, at codon 718 of the TBCD protein (p.Ser718Leu). This variant is not present in population databases (gnomAD no frequency). This variant has not been reported in the literature in individuals affected with TBCD-related conditions. ClinVar contains an entry for this variant (Variation ID: 1976909). Invitae Evidence Modeling of protein sequence and biophysical properties (such as structural, functional, and spatial information, amino acid conservation, physicochemical variation, residue mobility, and thermodynamic stability) indicates that this missense variant is not expected to disrupt TBCD protein function with a negative predictive value of 80%. Algorithms developed to predict the effect of sequence changes on RNA splicing suggest that this variant may disrupt the consensus splice site. In summary, the available evidence is currently insufficient to determine the role of this variant in disease. Therefore, it has been classified as a Variant of Uncertain Significance.

Blueprint Genetics
Classification: Uncertain significance. Last evaluated: 2024-02-28. Review status: criteria provided, single submitter. Criteria: ACMG Guidelines, 2015. Collection method: clinical testing. Allele origin: germline.